The following is an entry in ClinVar:

ClinVar aggregate classification (germline): Pathogenic (1 of 4 stars; one submission).

Conditions:
Trimethylaminuria (TMAU). Also called: FISH-ODOR SYNDROME; Fish malodor syndrome; Stale fish syndrome; TMAuria; Primary Trimethylaminuria. Identifiers: MedGen C0342739, MONDO:0011182, OMIM 602079, HP:0003614. Disease mechanism: loss of function.

Submission:

Myriad Genetics, Inc.
Classification: Pathogenic for Trimethylaminuria. Last evaluated: 2026-04-29. Review status: criteria provided, single submitter. Criteria: Myriad Autosomal Dominant, Autosomal Recessive and X-Linked Classification Criteria (2023). Collection method: clinical testing. Allele origin: unknown.
Comment: NM_001002294.2(FMO3):c.145G>T(E49*) is expected to be pathogenic in the context of primary trimethylaminuria. This variant is predicted to lead to an abnormal or absent protein product due to the creation of a premature termination codon in FMO3, a gene where loss-of-function variants are known to be pathogenic. Please note: this variant was assessed in the context of healthy population screening.

NM_001002294.3(FMO3):c.145G>T (p.Glu49Ter)

Gene: FMO3 (flavin containing dimethylaniline monoxygenase 3; plus strand). Cytogenetic location: 1q24.3.
Variant type: single nucleotide variant.
Coding change: c.145G>T on transcript NM_001002294.3 (MANE Select); coding-DNA position 145, G replaced by T.
Protein change: p.Glu49Ter; replaces glutamic acid 49 with a stop codon.
Molecular consequence: nonsense. On other transcripts: intron variant (1).
Genome position (GRCh38, 1-based): chr1:171,103,797, G>T. VCF-style: chr1-171103797-G-T. GRCh37 (hg19) VCF-style: chr1-171072938-G-T.
Other names: c.85G>T, p.Glu29Ter (NM_001319173.2); c.145G>T, p.Glu49Ter (NM_006894.6); c.133-3878G>T (NM_001319174.2); short protein forms E29*, E49*.
Identifiers: ClinVar variation 5015840 (VCV005015840.1).